The following is an entry in ClinVar:

ClinVar aggregate classification (germline): Uncertain significance (1 of 4 stars; one submission).

Submission:

Labcorp Genetics (formerly Invitae), Labcorp
Classification: Uncertain significance. Last evaluated: 2021-09-14. Review status: criteria provided, single submitter. Criteria: Invitae Variant Classification Sherloc (09022015). Collection method: clinical testing. Allele origin: germline.
Comment: This sequence change replaces cysteine with tryptophan at codon 15 of the TMEM230 protein (p.Cys15Trp). The cysteine residue is weakly conserved and there is a large physicochemical difference between cysteine and tryptophan. The frequency data for this variant in the population databases is considered unreliable, as metrics indicate insufficient coverage at this position in the ExAC database. This variant has not been reported in the literature in individuals affected with TMEM230-related conditions. Algorithms developed to predict the effect of missense changes on protein structure and function are either unavailable or do not agree on the potential impact of this missense change (SIFT: "Deleterious"; PolyPhen-2: "Possibly Damaging"; Align-GVGD: "Class C0"). In summary, the available evidence is currently insufficient to determine the role of this variant in disease. Therefore, it has been classified as a Variant of Uncertain Significance.

NM_001009925.2(TMEM230):c.-39C>G

Gene: TMEM230 (transmembrane protein 230; minus strand). Cytogenetic location: 20p12.3.
Variant type: single nucleotide variant.
Coding change: c.-39C>G on transcript NM_001009925.2 (MANE Select); 39 bases upstream of the start codon, C replaced by G.
Molecular consequence: 5 prime UTR variant.
Genome position (GRCh38, 1-based): chr20:5,112,984, G>C on the plus strand (C>G on the coding strand, the complement: TMEM230 is on the minus strand). VCF-style: chr20-5112984-G-C. GRCh37 (hg19) VCF-style: chr20-5093630-G-C.
Other names: c.-315C>G (NM_001330984.2); c.-280C>G (NM_001330985.2); c.-257C>G (NM_001330986.2); c.-39C>G (NM_001330987.2); c.-145C>G (NM_001423980.1); c.-270C>G (NM_014145.5); c.-363C>G (NM_001009924.2).
Identifiers: ClinVar variation 1416127 (VCV001416127.6), dbSNP rs201160722, ClinGen allele CA408158348.